The following is an entry in ClinVar:

NM_003716.4(CADPS):c.1691C>T (p.Ala564Val)

Gene: CADPS (calcium dependent secretion activator; minus strand). Cytogenetic location: 3p14.2.
Variant type: single nucleotide variant.
Coding change: c.1691C>T on transcript NM_003716.4 (MANE Select); coding-DNA position 1691, C replaced by T.
Protein change: p.Ala564Val; replaces alanine 564 with valine.
Molecular consequence: missense variant.
Genome position (GRCh38, 1-based): chr3:62,557,467, G>A on the plus strand (C>T on the coding strand, the complement: CADPS is on the minus strand). VCF-style: chr3-62557467-G-A. GRCh37 (hg19) VCF-style: chr3-62543142-G-A.
Other names: c.1691C>T, p.Ala564Val (NM_183393.3, NM_183394.3); short protein forms A564V.
Identifiers: ClinVar variation 2634756 (VCV002634756.1), dbSNP rs898296147, ClinGen allele CA75624278.

ClinVar aggregate classification (germline): Uncertain significance (1 of 4 stars; one submission).

Conditions:
CADPS-related disorder. Also called: CADPS-related condition.

Allele frequency attached by ClinVar (database versions not stated): gnomAD 0.00003; TOPMed 0.00005.
gnomAD v4.1: 24 of 1,613,890 alleles (0.0015%); highest among the groups gnomAD compares: African/African-American, 0.0053%; no homozygotes.

Submission:

PreventionGenetics, part of Exact Sciences
Classification: Uncertain significance for CADPS-related condition. Last evaluated: 2023-03-09. Review status: criteria provided, single submitter. Criteria: ACMG Guidelines, 2015. Collection method: clinical testing. Allele origin: germline.
Comment: The CADPS c.1691C>T variant is predicted to result in the amino acid substitution p.Ala564Val. To our knowledge, this variant has not been reported in the literature. This variant is reported in 0.0065% of alleles in individuals of South Asian descent in gnomAD. At this time, the clinical significance of this variant is uncertain due to the absence of conclusive functional and genetic evidence.